The following is an entry in ClinVar:

ClinVar aggregate classification (germline): Conflicting classifications of pathogenicity. Review status: criteria provided, conflicting classifications (1 of 4 stars). 4 submissions from 4 submitters: Uncertain significance (1); Likely benign (3). Last evaluated 2026-02-03.

Conditions:
Neuroblastoma, susceptibility to, 3. Also called: ALK-Related Neuroblastic Tumor Susceptibility. Identifiers: Orphanet 635, MedGen C2751681, MONDO:0013083, OMIM 613014.
Hereditary cancer-predisposing syndrome. Also called: Hereditary neoplastic syndrome; Neoplastic Syndromes, Hereditary; Hereditary Cancer Syndrome; Tumor predisposition. Identifiers: Orphanet 140162, MedGen C0027672, MeSH D009386, MONDO:0015356.

Allele frequency attached by ClinVar (database versions not stated): TOPMed 0.00003; gnomAD 0.00004; gnomAD exomes 0.00005; ExAC 0.00008.
gnomAD v4.1: 72 of 1,613,392 alleles (0.0045%); highest among the groups gnomAD compares: Non-Finnish European, 0.0057%; no homozygotes.

Submissions (4):

Labcorp Genetics (formerly Invitae), Labcorp
Classification: Uncertain significance for Neuroblastoma, susceptibility to, 3. Last evaluated: 2026-02-03. Review status: criteria provided, single submitter. Criteria: Invitae Variant Classification Sherloc (09022015). Collection method: clinical testing. Allele origin: germline.
Comment: This sequence change affects codon 1215 of the ALK mRNA. It is a 'silent' change, meaning that it does not change the encoded amino acid sequence of the ALK protein. This variant also falls at the last nucleotide of exon 23, which is part of the consensus splice site for this exon. This variant is present in population databases (rs775768862, gnomAD 0.01%). This variant has not been reported in the literature in individuals affected with ALK-related conditions. ClinVar contains an entry for this variant (Variation ID: 485074). Variants that disrupt the consensus splice site are a relatively common cause of aberrant splicing (PMID: 17576681, 9536098). Algorithms developed to predict the effect of sequence changes on RNA splicing suggest that this variant may disrupt the consensus splice site. In summary, the available evidence is currently insufficient to determine the role of this variant in disease. Therefore, it has been classified as a Variant of Uncertain Significance.

Blueprint Genetics
Classification: Likely benign. Last evaluated: 2024-10-25. Review status: criteria provided, single submitter. Criteria: ACMG Guidelines, 2015. Collection method: clinical testing. Allele origin: germline.

CeGaT Center for Human Genetics Tuebingen
Classification: Likely benign. Last evaluated: 2023-08-01. Review status: criteria provided, single submitter. Criteria: CeGaT Center For Human Genetics Tuebingen Variant Classification Criteria Version 2. Collection method: clinical testing. Allele origin: germline. Affected: yes. Observed: 2 variant alleles.
Comment: ALK: BP4, BP7

Ambry Genetics
Classification: Likely benign for Hereditary cancer-predisposing syndrome. Last evaluated: 2017-03-02. Review status: criteria provided, single submitter. Criteria: Ambry Variant Classification Scheme 2023. Collection method: clinical testing. Allele origin: germline.

Literature cited by the submitters: PubMed 17576681 (cited by Labcorp Genetics (formerly Invitae), Labcorp); PubMed 9536098 (cited by Labcorp Genetics (formerly Invitae), Labcorp).

NM_004304.5(ALK):c.3645G>A (p.Pro1215=)

Gene: ALK (ALK receptor tyrosine kinase; minus strand). Cytogenetic location: 2p23.2.
Variant type: single nucleotide variant.
Coding change: c.3645G>A on transcript NM_004304.5 (MANE Select); coding-DNA position 3645, G replaced by A.
Protein change: p.Pro1215=; no amino-acid change (proline 1215 retained).
Molecular consequence: synonymous variant.
Genome position (GRCh38, 1-based): chr2:29,220,706, C>T on the plus strand (G>A on the coding strand, the complement: ALK is on the minus strand). VCF-style: chr2-29220706-C-T. GRCh37 (hg19) VCF-style: chr2-29443572-C-T.
Other names: c.441G>A, p.Pro147= (NM_001353765.2).
Identifiers: ClinVar variation 485074 (VCV000485074.39), dbSNP rs775768862, ClinGen allele CA1593836.